The following is an entry in ClinVar:

ClinVar aggregate classification (germline): Uncertain significance (1 of 4 stars; one submission).

Conditions:
NEK10-related disorder. Also called: NEK10-related condition.

Allele frequency attached by ClinVar (database versions not stated): gnomAD exomes 0.00002; ExAC 0.00008; TOPMed 0.00008; gnomAD 0.00009; ESP Exome Variant Server 0.00019; 1000 Genomes Project 0.00020; 1000 Genomes Project 30x 0.00031.
gnomAD v4.1: 43 of 1,606,590 alleles (0.0027%); highest among the groups gnomAD compares: African/African-American, 0.029%; no homozygotes.

Submission:

PreventionGenetics, part of Exact Sciences
Classification: Uncertain significance for NEK10-related condition. Last evaluated: 2022-08-26. Review status: criteria provided, single submitter. Criteria: ACMG Guidelines, 2015. Collection method: clinical testing. Allele origin: germline.
Comment: The NEK10 c.1702G>A variant is predicted to result in the amino acid substitution p.Val568Ile. To our knowledge, this variant has not been reported in the literature. This variant is reported in 0.046% of alleles in individuals of African descent in gnomAD. At this time, the clinical significance of this variant is uncertain due to the absence of conclusive functional and genetic evidence.

NM_001394966.1(NEK10):c.1702G>A (p.Val568Ile)

Gene: NEK10 (NIMA related kinase 10; minus strand). Cytogenetic location: 3p24.1.
Variant type: single nucleotide variant.
Coding change: c.1702G>A on transcript NM_001394966.1 (MANE Select); coding-DNA position 1702, G replaced by A.
Protein change: p.Val568Ile; replaces valine 568 with isoleucine.
Molecular consequence: missense variant. On other transcripts: intron variant (1).
Genome position (GRCh38, 1-based): chr3:27,290,658, C>T on the plus strand (G>A on the coding strand, the complement: NEK10 is on the minus strand). VCF-style: chr3-27290658-C-T. GRCh37 (hg19) VCF-style: chr3-27332149-C-T.
Other names: c.1702G>A, p.Val568Ile (NM_001394963.1, NM_001394965.1, NM_001394970.1 and 3 more transcripts); c.1615G>A, p.Val539Ile (NM_001394964.1, NM_001394967.1, NM_001394969.1); c.1626+604G>A (NM_001394968.1); short protein forms V539I, V568I.
Identifiers: ClinVar variation 2634290 (VCV002634290.1), dbSNP rs370504122, ClinGen allele CA2290801.